The following is an entry in ClinVar:

NM_000038.6(APC):c.5072C>T (p.Pro1691Leu)

Gene: APC (APC regulator of Wnt signaling pathway; plus strand). Cytogenetic location: 5q22.2.
Variant type: single nucleotide variant.
Coding change: c.5072C>T on transcript NM_000038.6 (MANE Select); coding-DNA position 5072, C replaced by T.
Protein change: p.Pro1691Leu; replaces proline 1691 with leucine.
Molecular consequence: missense variant.
Genome position (GRCh38, 1-based): chr5:112,840,666, C>T. VCF-style: chr5-112840666-C-T. GRCh37 (hg19) VCF-style: chr5-112176363-C-T.
Other names: c.5072C>T, p.Pro1691Leu (NM_001127510.3, NM_001354895.2); c.5018C>T, p.Pro1673Leu (NM_001127511.3); c.5126C>T, p.Pro1709Leu (NM_001354896.2); c.5102C>T, p.Pro1701Leu (NM_001354897.2); c.4997C>T, p.Pro1666Leu (NM_001354898.2); c.4988C>T, p.Pro1663Leu (NM_001354899.2); c.4949C>T, p.Pro1650Leu (NM_001354900.2); c.4895C>T, p.Pro1632Leu (NM_001354901.2); and 5 more; short protein forms P1673L, P1691L, P1531L, P1600L, P1666L, P1408L, P1663L, P1590L.
Identifiers: ClinVar variation 411520 (VCV000411520.21), dbSNP rs1060503346, ClinGen allele CA16032423.

ClinVar aggregate classification (germline): Conflicting classifications of pathogenicity. Review status: criteria provided, conflicting classifications (1 of 4 stars). 6 submissions from 6 submitters: Uncertain significance (3); Benign (1); Likely benign (2). Last evaluated 2025-02-16.

Conditions:
Familial adenomatous polyposis 1 (FAP1). Also called: FAMILIAL ADENOMATOUS POLYPOSIS 1, ATTENUATED; POLYPOSIS, ADENOMATOUS INTESTINAL. Identifiers: MedGen C2713442, MONDO:0021056, OMIM 175100. Disease mechanism: loss of function.
Hereditary cancer-predisposing syndrome. Also called: Tumor predisposition; Hereditary Cancer Syndrome; Hereditary neoplastic syndrome; Neoplastic Syndromes, Hereditary. Identifiers: Orphanet 140162, MedGen C0027672, MeSH D009386, MONDO:0015356.
Classic or attenuated familial adenomatous polyposis. Identifiers: MedGen CN372698, MONDO:0021057.

Allele frequency attached by ClinVar (database versions not stated): gnomAD exomes 0.00001; gnomAD 0.00008 and 0.00009.

Submissions (6):

Laboratory of Genetics, Children's Clinical University Hospital Latvia
Classification: Likely benign. Last evaluated: 2025-02-16. Review status: criteria provided, single submitter. Criteria: ACMG Guidelines, 2015. Collection method: clinical testing. Allele origin: germline. Affected: yes.

Labcorp Genetics (formerly Invitae), Labcorp
Classification: Likely benign for Familial adenomatous polyposis 1. Last evaluated: 2024-05-13. Review status: criteria provided, single submitter. Criteria: Invitae Variant Classification Sherloc (09022015). Collection method: clinical testing. Allele origin: germline.

Color Diagnostics, LLC DBA Color Health
Classification: Uncertain significance for Hereditary cancer-predisposing syndrome. Last evaluated: 2023-12-05. Review status: criteria provided, single submitter. Criteria: ACMG Guidelines, 2015. Collection method: clinical testing. Allele origin: germline.
Comment: This missense variant replaces proline with leucine at codon 1691 of the APC protein. Computational prediction tools and conservation analyses are inconclusive regarding the impact of this variant on the protein function. Computational splicing tools suggest that this variant may not impact RNA splicing. To our knowledge, functional assays have not been performed for this variant nor has this variant been reported in individuals affected with hereditary cancer in the literature. This variant has been identified in 13/31390 chromosomes in the general population by the Genome Aggregation Database (gnomAD). Available evidence is insufficient to determine the role of this variant in disease conclusively. Therefore, this variant is classified as a Variant of Uncertain Significance.

Ambry Genetics
Classification: Benign for Hereditary cancer-predisposing syndrome. Last evaluated: 2023-09-03. Review status: criteria provided, single submitter. Criteria: Ambry Variant Classification Scheme 2023. Collection method: clinical testing. Allele origin: germline.

All of Us Research Program, National Institutes of Health
Classification: Uncertain significance for Classic or attenuated familial adenomatous polyposis. Last evaluated: 2023-05-08. Review status: criteria provided, single submitter. Criteria: ACMG Guidelines, 2015. Collection method: clinical testing. Allele origin: germline. Inheritance: Autosomal dominant inheritance. Observed: 2 variant alleles, 2 heterozygotes.
Comment: This missense variant replaces proline with leucine at codon 1691 of the APC protein. Computational prediction tools and conservation analyses are inconclusive regarding the impact of this variant on the protein function. Computational splicing tools suggest that this variant may not impact RNA splicing. To our knowledge, functional assays have not been performed for this variant nor has this variant been reported in individuals affected with hereditary cancer in the literature. This variant has been identified in 13/31390 chromosomes in the general population by the Genome Aggregation Database (gnomAD). Available evidence is insufficient to determine the role of this variant in disease conclusively. Therefore, this variant is classified as a Variant of Uncertain Significance.

This study involves interpretation of variants in research participants for the purpose of population health screening. Participant phenotype was not available at the time of variant classification. Additional details can be found in publication PMID: 35346344, PMCID: PMC8962531

GeneDx
Classification: Uncertain significance. Last evaluated: 2015-08-07. Review status: criteria provided, single submitter. Criteria: GeneDx Variant Classification (06012015). Collection method: clinical testing. Allele origin: germline. Affected: yes.
Comment: This variant is denoted APC c.5072C>T at the cDNA level, p.Pro1691Leu (P1691L) at the protein level, and results in the change of a Proline to a Leucine (CCT>CTT). Although this variant has not, to our knowledge, been published in the literature as either a germline pathogenic variant or a benign polymorphism it was observed as a somatic change in two individuals with cutaneous squamous cell carcinoma (Li 2015). APC Pro1691Leu was not observed in approximately 6,500 individuals of European and African American ancestry in the NHLBI Exome Sequencing Project, indicating it is not a common benign variant in these populations. Since Proline and Leucine differ in some properties, this is considered a semi-conservative amino acid substitution. APC Pro1691Leu occurs at a position that is conserved in mammals and is located within the 20-amino acid repeat B-catenin down-regulating domain and the SAMP repeats/axin binding domain (Azzopardi 2008). In silico analyses are inconsistent regarding the effect this variant may have on protein structure and function. Based on currently available information, it is unclear whether APC Pro1691Leu is pathogenic or benign. We consider it to be a variant of uncertain significance.